The following is an entry in ClinVar:

NM_001903.5(CTNNA1):c.1293T>G (p.Ile431Met)

Gene: CTNNA1 (catenin alpha 1; plus strand). Cytogenetic location: 5q31.2.
Variant type: single nucleotide variant.
Coding change: c.1293T>G on transcript NM_001903.5 (MANE Select); coding-DNA position 1293, T replaced by G.
Protein change: p.Ile431Met; replaces isoleucine 431 with methionine.
Molecular consequence: missense variant. On other transcripts: 5 prime UTR variant (5), intron variant (2).
Genome position (GRCh38, 1-based): chr5:138,887,639, T>G. VCF-style: chr5-138887639-T-G. GRCh37 (hg19) VCF-style: chr5-138223328-T-G.
Other names: c.1293T>G, p.Ile431Met (NM_001290307.3, NM_001323982.2, NM_001323983.1 and 3 more transcripts); c.984T>G, p.Ile328Met (NM_001290309.3); c.924T>G, p.Ile308Met (NM_001290310.3); c.183T>G, p.Ile61Met (NM_001290312.1, NM_001323987.1, NM_001323988.1 and 18 more transcripts); c.-215T>G (NM_001324006.1, NM_001324007.1, NM_001324008.1 and 1 more transcripts); c.-90T>G (NM_001324013.1); c.-58+12042T>G (NM_001324012.1); c.-61+12042T>G (NM_001324010.1); short protein forms I431M, I328M, I61M, I308M.
Identifiers: ClinVar variation 225127 (VCV000225127.7), dbSNP rs755215402, ClinGen allele CA357855.

ClinVar aggregate classification (germline): Uncertain significance. Review status: criteria provided, multiple submitters, no conflicts (2 of 4 stars). 3 submissions from 3 submitters: Uncertain significance (2). 1 of the submissions does not count toward it. Last evaluated 2024-08-30.

Conditions:
Patterned macular dystrophy 2. Identifiers: Orphanet 99001, MedGen C1837029, MONDO:0012162, OMIM 608970.
Hereditary cancer-predisposing syndrome. Also called: Tumor predisposition; Hereditary neoplastic syndrome; Neoplastic Syndromes, Hereditary; Hereditary Cancer Syndrome. Identifiers: Orphanet 140162, MedGen C0027672, MeSH D009386, MONDO:0015356.

gnomAD v4.1: 2 of 1,606,766 alleles (0.00012%); highest among the groups gnomAD compares: Non-Finnish European, 0.00017%; no homozygotes.

Submissions (3):

Labcorp Genetics (formerly Invitae), Labcorp
Classification: Uncertain significance. Last evaluated: 2024-08-30. Review status: criteria provided, single submitter. Criteria: Invitae Variant Classification Sherloc (09022015). Collection method: clinical testing. Allele origin: germline.
Comment: This sequence change replaces isoleucine, which is neutral and non-polar, with methionine, which is neutral and non-polar, at codon 431 of the CTNNA1 protein (p.Ile431Met). This variant is not present in population databases (gnomAD no frequency). This missense change has been observed in individual(s) with butterfly-shaped pigment dystrophy (PMID: 26691986). ClinVar contains an entry for this variant (Variation ID: 225127). Invitae Evidence Modeling of protein sequence and biophysical properties (such as structural, functional, and spatial information, amino acid conservation, physicochemical variation, residue mobility, and thermodynamic stability) indicates that this missense variant is not expected to disrupt CTNNA1 protein function with a negative predictive value of 80%. In summary, the available evidence is currently insufficient to determine the role of this variant in disease. Therefore, it has been classified as a Variant of Uncertain Significance.

Ambry Genetics
Classification: Uncertain significance for Hereditary cancer-predisposing syndrome. Last evaluated: 2024-03-20. Review status: criteria provided, single submitter. Criteria: Ambry Variant Classification Scheme 2023. Collection method: clinical testing. Allele origin: germline.
Comment: The p.I431M variant (also known as c.1293T>G), located in coding exon 8 of the CTNNA1 gene, results from a T to G substitution at nucleotide position 1293. The isoleucine at codon 431 is replaced by methionine, an amino acid with highly similar properties. This amino acid position is well conserved in available vertebrate species. In addition, this alteration is predicted to be tolerated by in silico analysis. The evidence for this gene-disease relationship is limited; therefore, the clinical significance of this alteration is unclear.

OMIM
Classification: Pathogenic for MACULAR DYSTROPHY, PATTERNED, 2. Last evaluated: 2024-12-23. Review status: no assertion criteria provided. Collection method: literature only. Allele origin: germline. Not counted in ClinVar's aggregate classification.

Literature cited by the submitters: PubMed 26691986 (cited by Labcorp Genetics (formerly Invitae), Labcorp and OMIM).